The following is an entry in ClinVar:

ClinVar aggregate classification (germline): Pathogenic. Review status: criteria provided, multiple submitters, no conflicts (2 of 4 stars). 2 submissions from 2 submitters: Pathogenic (2). Last evaluated 2019-05-03.

Conditions:
Hereditary cancer-predisposing syndrome. Also called: Neoplastic Syndromes, Hereditary; Hereditary Cancer Syndrome; Hereditary neoplastic syndrome; Tumor predisposition. Identifiers: Orphanet 140162, MedGen C0027672, MeSH D009386, MONDO:0015356.
Familial cancer of breast. Also called: BREAST CANCER, FAMILIAL; Hereditary breast cancer; hereditary breast carcinoma. Identifiers: Orphanet 227535, MedGen C0346153, MONDO:0016419, OMIM 114480. Disease mechanism: loss of function.

Submissions (2):

Labcorp Genetics (formerly Invitae), Labcorp
Classification: Pathogenic for Familial cancer of breast. Last evaluated: 2019-05-03. Review status: criteria provided, single submitter. Criteria: Invitae Variant Classification Sherloc (09022015). Collection method: clinical testing. Allele origin: germline.
Comment: For these reasons, this variant has been classified as Pathogenic. This sequence change creates a premature translational stop signal (p.Asp1053Leufs*21) in the PALB2 gene. It is expected to result in an absent or disrupted protein product. This variant is not present in population databases (ExAC no frequency). This variant has not been reported in the literature in individuals with PALB2-related conditions. ClinVar contains an entry for this variant (Variation ID: 460978). Loss-of-function variants in PALB2 are known to be pathogenic (PMID: 17200668, 24136930, 25099575).

Ambry Genetics
Classification: Pathogenic for Hereditary cancer-predisposing syndrome. Last evaluated: 2017-09-07. Review status: criteria provided, single submitter. Criteria: Ambry Variant Classification Scheme 2023. Collection method: clinical testing. Allele origin: germline.
Comment: The c.3157_3160delGATT pathogenic mutation, located in coding exon 11 of the PALB2 gene, results from a deletion of 4 nucleotides at nucleotide positions 3157 to 3160, causing a translational frameshift with a predicted alternate stop codon (p.D1053Lfs*21). This alteration is expected to result in loss of function by premature protein truncation or nonsense-mediated mRNA decay. As such, this alteration is interpreted as a disease-causing mutation.

Literature cited by the submitters: PubMed 17200668 (cited by Labcorp Genetics (formerly Invitae), Labcorp); PubMed 24136930 (cited by Labcorp Genetics (formerly Invitae), Labcorp); PubMed 25099575 (cited by Labcorp Genetics (formerly Invitae), Labcorp).

NM_024675.4(PALB2):c.3157_3160del (p.Asp1053fs)

Gene: PALB2 (partner and localizer of BRCA2; minus strand). Cytogenetic location: 16p12.2.
Variant type: Deletion.
Coding change: c.3157_3160del on transcript NM_024675.4 (MANE Select); coding-DNA positions 3157 to 3160, 4 bases deleted (GATT; older notation c.3157_3160delGATT).
Protein change: p.Asp1053fs; shifts the reading frame from aspartic acid 1053.
Molecular consequence: frameshift variant.
Genome position (GRCh38, 1-based): chr16:23,614,045-23,614,048, AATC deleted on the plus strand (GATT on the coding strand, the reverse complement: PALB2 is on the minus strand); deleting any 4 consecutive bases within chr16:23,614,045-23,614,049 gives the same sequence; the c. name uses the placement nearest the transcript's 3' end. VCF-style (leftmost placement, unchanged base first): chr16-23614044-GAATC-G. GRCh37 (hg19) VCF-style: chr16-23625365-GAATC-G.
Other names: c.3157_3160delGATT (NM_024675.3); short protein forms D1053fs.
Identifiers: ClinVar variation 460978 (VCV000460978.14), dbSNP rs1555458815, ClinGen allele CA658658458.